The following is an entry in ClinVar:

NM_000051.4(ATM):c.4113T>C (p.Asp1371=)

Gene: ATM (ATM serine/threonine kinase; plus strand). Cytogenetic location: 11q22.3.
Variant type: single nucleotide variant.
Coding change: c.4113T>C on transcript NM_000051.4 (MANE Select); coding-DNA position 4113, T replaced by C.
Protein change: p.Asp1371=; no amino-acid change (aspartic acid 1371 retained).
Molecular consequence: synonymous variant.
Genome position (GRCh38, 1-based): chr11:108,288,980, T>C. VCF-style: chr11-108288980-T-C. GRCh37 (hg19) VCF-style: chr11-108159707-T-C.
Other names: c.4113T>C, p.Asp1371= (NM_001351834.2).
Identifiers: ClinVar variation 3254384 (VCV003254384.1), dbSNP rs2135750388.
Genomic context (GRCh38, chr11:108,288,980, plus strand): 5'-GTCTATGAACAAAACTTTTTAAAACGATGACTGTATTTTTTCCCTTAACTCTGTTAGGGA[T>C]TTGGATCCTGCTCCTAATCCACCTCATTTTCCATCGCATGTGATTAAAGCAACATTTGCC-3'
Protein context (NP_000042.3, residues 1361-1381): QSTDLCDFSG[Asp1371=]LDPAPNPPHF

ClinVar aggregate classification (germline): Benign (1 of 4 stars; one submission).

Conditions:
Familial cancer of breast. Also called: BREAST CANCER, FAMILIAL; Hereditary breast cancer; hereditary breast carcinoma. Identifiers: Orphanet 227535, MedGen C0346153, MONDO:0016419, OMIM 114480. Disease mechanism: loss of function.

Submission:

Myriad Genetics, Inc.
Classification: Benign for Familial cancer of breast. Last evaluated: 2024-05-16. Review status: criteria provided, single submitter. Criteria: Myriad Autosomal Dominant, Autosomal Recessive and X-Linked Classification Criteria (2023). Collection method: clinical testing. Allele origin: unknown.
Comment: This variant is considered benign. This variant is a silent/synonymous amino acid change and it is not expected to impact splicing.